The following is an entry in ClinVar:

NM_001162501.2(TNRC6B):c.2111A>G (p.Asn704Ser)

Gene: TNRC6B (trinucleotide repeat containing adaptor 6B; plus strand). Cytogenetic location: 22q13.1.
Variant type: single nucleotide variant.
Coding change: c.2111A>G on transcript NM_001162501.2 (MANE Select); coding-DNA position 2111, A replaced by G.
Protein change: p.Asn704Ser; replaces asparagine 704 with serine.
Molecular consequence: missense variant. On other transcripts: intron variant (1).
Genome position (GRCh38, 1-based): chr22:40,266,341, A>G. VCF-style: chr22-40266341-A-G. GRCh37 (hg19) VCF-style: chr22-40662345-A-G.
Other names: c.2111A>G, p.Asn704Ser (NM_015088.3); c.566-3781A>G (NM_001024843.2); short protein forms N704S.
Identifiers: ClinVar variation 3774770 (VCV003774770.1).

ClinVar aggregate classification (germline): Uncertain significance (1 of 4 stars; one submission).

gnomAD v4.1: 2 of 1,607,854 alleles (0.00012%); highest among the groups gnomAD compares: South Asian, 0.0011%; no homozygotes.

Submission:

GeneDx
Classification: Uncertain significance. Last evaluated: 2024-09-30. Review status: criteria provided, single submitter. Criteria: GeneDx Variant Classification Process June 2021. Collection method: clinical testing. Allele origin: germline. Affected: yes.
Comment: Not observed at significant frequency in large population cohorts (gnomAD); In silico analysis indicates that this missense variant does not alter protein structure/function; Has not been previously published as pathogenic or benign to our knowledge